The following is an entry in ClinVar:

ClinVar aggregate classification (germline): Likely benign. Review status: criteria provided, multiple submitters, no conflicts (2 of 4 stars). 3 submissions from 3 submitters: Likely benign (3). Last evaluated 2026-06-23.

Conditions:
Inborn genetic diseases. Identifiers: MedGen C0950123, MeSH D030342.
Combined oxidative phosphorylation deficiency. Identifiers: MedGen C4540031, MONDO:0000732.
Charcot-Marie-Tooth Neuropathy X. Identifiers: MedGen CN118851.
AIFM1-related disorder. Also called: AIFM1-related condition.

Allele frequency attached by ClinVar (database versions not stated): TOPMed 0.00002; gnomAD 0.00003 and 0.00004; gnomAD exomes 0.00003 and 0.00005; ExAC 0.00005; ESP Exome Variant Server 0.00009.
gnomAD v4.1: 38 of 1,204,640 alleles (0.0032%); highest among the groups gnomAD compares: Middle Eastern, 0.023%; no homozygotes.

Submissions (3):

PreventionGenetics, part of Exact Sciences
Classification: Likely benign for AIFM1-related condition. Last evaluated: 2026-06-23. Review status: criteria provided, single submitter. Criteria: ACMG Guidelines, 2015. Collection method: clinical testing. Allele origin: germline.
Comment: This variant is classified as likely benign based on ACMG/AMP sequence variant interpretation guidelines (Richards et al. 2015 PMID: 25741868, with internal and published modifications).

Labcorp Genetics (formerly Invitae), Labcorp
Classification: Likely benign for Charcot-Marie-Tooth Neuropathy X; Combined oxidative phosphorylation deficiency. Last evaluated: 2025-10-29. Review status: criteria provided, single submitter. Criteria: Invitae Variant Classification Sherloc (09022015). Collection method: clinical testing. Allele origin: germline.

Ambry Genetics
Classification: Likely benign for Inborn genetic diseases. Last evaluated: 2019-07-11. Review status: criteria provided, single submitter. Criteria: Ambry Variant Classification Scheme 2023. Collection method: clinical testing. Allele origin: germline.

NM_004208.4(AIFM1):c.339C>T (p.Ala113=)

Genes: AIFM1 (apoptosis inducing factor mitochondria associated 1; minus strand), RAB33A (RAB33A, member RAS oncogene family; plus strand). Cytogenetic location: Xq26.1.
Variant type: single nucleotide variant.
Coding change: c.339C>T on transcript NM_004208.4 (MANE Select); coding-DNA position 339, C replaced by T.
Protein change: p.Ala113=; no amino-acid change (alanine 113 retained).
Molecular consequence: synonymous variant. On other transcripts: non-coding transcript variant (1).
Genome position (GRCh38, 1-based): chrX:130,149,479, G>A on the plus strand (C>T on the coding strand, the complement: AIFM1 is on the minus strand). VCF-style: chrX-130149479-G-A. GRCh37 (hg19) VCF-style: chrX-129283454-G-A.
Other names: c.339C>T, p.Ala113= (NM_001130847.4); c.327C>T, p.Ala109= (NM_145812.3).
Identifiers: ClinVar variation 543933 (VCV000543933.14), dbSNP rs368967639, ClinGen allele CA10515470.